The following is an entry in ClinVar:

ClinVar aggregate classification (germline): Conflicting classifications of pathogenicity. Review status: criteria provided, conflicting classifications (1 of 4 stars). 7 submissions from 7 submitters: Uncertain significance (1); Likely benign (6). Last evaluated 2026-01-20.

Conditions:
ESRRB-related disorder. Also called: ESRRB-related condition.
Autosomal recessive nonsyndromic hearing loss 35. Identifiers: Orphanet 90636, MedGen C1837857, MONDO:0012060, OMIM 608565.

Allele frequency attached by ClinVar (database versions not stated): gnomAD 0.00008; TOPMed 0.00021.
gnomAD v4.1: 124 of 1,610,502 alleles (0.0077%); highest among the groups gnomAD compares: Admixed American, 0.17%; no homozygotes.

Submissions (7):

Labcorp Genetics (formerly Invitae), Labcorp
Classification: Likely benign. Last evaluated: 2026-01-20. Review status: criteria provided, single submitter. Criteria: Invitae Variant Classification Sherloc (09022015). Collection method: clinical testing. Allele origin: germline.

PreventionGenetics, part of Exact Sciences
Classification: Likely benign for ESRRB-related condition. Last evaluated: 2025-10-09. Review status: criteria provided, single submitter. Criteria: ACMG Guidelines, 2015. Collection method: clinical testing. Allele origin: germline.
Comment: This variant is classified as likely benign based on ACMG/AMP sequence variant interpretation guidelines (Richards et al. 2015 PMID: 25741868, with internal and published modifications).

CeGaT Center for Human Genetics Tuebingen
Classification: Likely benign. Last evaluated: 2025-10-01. Review status: criteria provided, single submitter. Criteria: CeGaT Center For Human Genetics Tuebingen Variant Classification Criteria Version 2. Collection method: clinical testing. Allele origin: germline. Affected: yes. Observed: 1 variant allele.
Comment: ESRRB: BP4, BP7

Blueprint Genetics
Classification: Likely benign. Last evaluated: 2022-06-20. Review status: criteria provided, single submitter. Criteria: ACMG Guidelines, 2015. Collection method: clinical testing. Allele origin: germline.

GeneDx
Classification: Likely benign. Last evaluated: 2020-12-07. Review status: criteria provided, single submitter. Criteria: GeneDx Variant Classification Process June 2021. Collection method: clinical testing. Allele origin: germline. Affected: yes.

Illumina Laboratory Services, Illumina
Classification: Uncertain significance for Autosomal recessive nonsyndromic hearing loss 35. Last evaluated: 2018-01-13. Review status: criteria provided, single submitter. Criteria: ICSL Variant Classification Criteria 13 December 2019. Collection method: clinical testing. Allele origin: germline.

Laboratory for Molecular Medicine, Mass General Brigham Personalized Medicine
Classification: Likely benign. Last evaluated: 2016-10-09. Review status: criteria provided, single submitter. Criteria: LMM Criteria. Collection method: clinical testing. Allele origin: germline. Observed: 1 variant allele.
Comment: p.Ser38Ser in Exon 4 of ESRRB: This variant is not expected to have clinical si gnificance because it does not alter an amino acid residue and is not located wi thin the splice consensus sequence. It has been identified in 0.3% (36/11138) of Latino chromosomes by the Exome Aggregation Consortium (ExAC; dbSNP rs781612689).

NM_001379180.1(ESRRB):c.177G>A (p.Ser59=)

Gene: ESRRB (estrogen related receptor beta; plus strand). Cytogenetic location: 14q24.3.
Variant type: single nucleotide variant.
Coding change: c.177G>A on transcript NM_001379180.1 (MANE Select); coding-DNA position 177, G replaced by A.
Protein change: p.Ser59=; no amino-acid change (serine 59 retained).
Molecular consequence: synonymous variant.
Genome position (GRCh38, 1-based): chr14:76,439,467, G>A. VCF-style: chr14-76439467-G-A. GRCh37 (hg19) VCF-style: chr14-76905810-G-A.
Other names: c.114G>A, p.Ser38= (NM_004452.4).
Identifiers: ClinVar variation 314481 (VCV000314481.26), dbSNP rs781612689, ClinGen allele CA7281521.